The following is an entry in ClinVar:

ClinVar aggregate classification (germline): Likely benign (0 of 4 stars; one submission).

Conditions:
STXBP5-related disorder. Also called: STXBP5-related condition.

Allele frequency attached by ClinVar (database versions not stated): gnomAD 0.00006; TOPMed 0.00006; ExAC 0.00007; gnomAD exomes 0.00007.
gnomAD v4.1: 110 of 1,482,002 alleles (0.0074%); highest among the groups gnomAD compares: Non-Finnish European, 0.0088%; no homozygotes.

Submission:

PreventionGenetics, part of Exact Sciences
Classification: Likely benign for STXBP5-related condition. Last evaluated: 2019-06-06. Review status: no assertion criteria provided. Collection method: clinical testing. Allele origin: germline.
Comment: This variant is classified as likely benign based on ACMG/AMP sequence variant interpretation guidelines (Richards et al. 2015 PMID: 25741868, with internal and published modifications).

NM_001127715.4(STXBP5):c.2254+9T>C

Gene: STXBP5 (syntaxin binding protein 5; plus strand). Cytogenetic location: 6q24.3.
Variant type: single nucleotide variant.
Coding change: c.2254+9T>C on transcript NM_001127715.4 (MANE Select); 9 bases into the intron after coding-DNA position 2254, T replaced by C.
Molecular consequence: intron variant.
Genome position (GRCh38, 1-based): chr6:147,339,393, T>C. VCF-style: chr6-147339393-T-C. GRCh37 (hg19) VCF-style: chr6-147660529-T-C.
Other names: c.2206+155T>C (NM_001394409.1); c.2146+5171T>C (NM_139244.6).
Identifiers: ClinVar variation 3039607 (VCV003039607.2), dbSNP rs770694583, ClinGen allele CA4039228.